The following is an entry in ClinVar:

ClinVar aggregate classification (germline): Pathogenic (1 of 4 stars; one submission).

Conditions:
Primary ciliary dyskinesia. Also called: Ciliary dyskinesia. Identifiers: Orphanet 244, MedGen C0008780, MONDO:0016575, HP:0012265.

Submission:

Labcorp Genetics (formerly Invitae), Labcorp
Classification: Pathogenic for Primary ciliary dyskinesia. Last evaluated: 2023-02-21. Review status: criteria provided, single submitter. Criteria: Invitae Variant Classification Sherloc (09022015). Collection method: clinical testing. Allele origin: germline.
Comment: This variant is not present in population databases (gnomAD no frequency). This sequence change creates a premature translational stop signal (p.Asn53Leufs*2) in the CCDC39 gene. It is expected to result in an absent or disrupted protein product. Loss-of-function variants in CCDC39 are known to be pathogenic (PMID: 21131972, 23255504). For these reasons, this variant has been classified as Pathogenic. This variant has not been reported in the literature in individuals affected with CCDC39-related conditions.

Literature cited by the submitters: PubMed 21131972; PubMed 23255504.

NM_181426.2(CCDC39):c.157_160del (p.Asn53fs)

Gene: CCDC39 (coiled-coil domain 39 molecular ruler complex subunit; minus strand). Cytogenetic location: 3q26.33.
Variant type: Microsatellite.
Coding change: c.157_160del on transcript NM_181426.2 (MANE Select); coding-DNA positions 157 to 160, 4 bases deleted (AATT; older notation c.157_160delAATT).
Protein change: p.Asn53fs; shifts the reading frame from asparagine 53.
Molecular consequence: frameshift variant.
Genome position (GRCh38, 1-based): chr3:180,663,917-180,663,920, AATT deleted on the plus strand (AATT on the coding strand, the reverse complement: CCDC39 is on the minus strand); deleting any 4 consecutive bases within chr3:180,663,917-180,663,924 gives the same sequence; the c. name uses the placement nearest the transcript's 3' end. VCF-style (leftmost placement, unchanged base first): chr3-180663916-GAATT-G. GRCh37 (hg19) VCF-style: chr3-180381704-GAATT-G.
Other names: short protein forms N53fs.
Identifiers: ClinVar variation 2893834 (VCV002893834.3), dbSNP rs2473828662, ClinGen allele CA2739279772.